The following is an entry in ClinVar:

ClinVar aggregate classification (germline): Uncertain significance. Review status: criteria provided, multiple submitters, no conflicts (2 of 4 stars). 3 submissions from 3 submitters: Uncertain significance (3). Last evaluated 2026-06-13.

Conditions:
PLEC-related disorder. Also called: PLEC-related disorders; PLEC-related condition.
Epidermolysis bullosa simplex 5C, with pyloric atresia (EBS5C). Also called: PLEC-Related Epidermolysis Bullosa with Pyloric Atresia; Epidermolysis bullosa simplex with pyloric atresia; PLEC1-Related Epidermolysis Bullosa with Pyloric Atresia. Identifiers: Orphanet 158684, MedGen C2677349, MONDO:0012807, OMIM 612138.
Epidermolysis bullosa simplex with nail dystrophy (EBS5D). Identifiers: MedGen C4225309, MONDO:0014661, OMIM 616487.
Autosomal recessive limb-girdle muscular dystrophy type 2Q (LGMDR17). Also called: MUSCULAR DYSTROPHY, LIMB-GIRDLE, AUTOSOMAL RECESSIVE 17. Identifiers: Orphanet 254361, MedGen C3150989, MONDO:0013390, OMIM 613723.
Epidermolysis bullosa simplex 5B, with muscular dystrophy (EBS5B). Also called: EPIDERMOLYSIS BULLOSA SIMPLEX AND LIMB-GIRDLE MUSCULAR DYSTROPHY; Epidermolysis bullosa simplex with muscular dystrophy. Identifiers: Orphanet 257, MedGen C2931072, MONDO:0009181, OMIM 226670.
Epidermolysis bullosa simplex, Ogna type (EBS5A). Also called: Pidermolysis bullosa simplex 5A, Ogna type; EPIDERMOLYSIS BULLOSA SIMPLEX 5A, OGNA TYPE. Identifiers: Orphanet 79401, MedGen C0432317, MONDO:0007555, OMIM 131950.
Inborn genetic diseases. Identifiers: MedGen C0950123, MeSH D030342.

Allele frequency attached by ClinVar (database versions not stated): TOPMed 0.00003; ExAC 0.00004; gnomAD 0.00005.
gnomAD v4.1: 23 of 1,604,190 alleles (0.0014%); highest among the groups gnomAD compares: African/African-American, 0.008%; no homozygotes.

Submissions (3):

PreventionGenetics, part of Exact Sciences
Classification: Uncertain significance for PLEC-related condition. Last evaluated: 2026-06-13. Review status: criteria provided, single submitter. Criteria: ACMG Guidelines, 2015. Collection method: clinical testing. Allele origin: germline.
Comment: The PLEC c.12781G>A variant is predicted to result in the amino acid substitution p.Asp4261Asn. To our knowledge, this variant has not been reported in the literature. This variant is reported in 0.013% of alleles in individuals of African descent in gnomAD. At this time, the clinical significance of this variant is uncertain due to the absence of conclusive functional and genetic evidence.

Labcorp Genetics (formerly Invitae), Labcorp
Classification: Uncertain significance for Autosomal recessive limb-girdle muscular dystrophy type 2Q; Epidermolysis bullosa simplex, Ogna type; Epidermolysis bullosa simplex with nail dystrophy; Epidermolysis bullosa simplex 5C, with pyloric atresia; Epidermolysis bullosa simplex 5B, with muscular dystrophy. Last evaluated: 2024-02-24. Review status: criteria provided, single submitter. Criteria: Invitae Variant Classification Sherloc (09022015). Collection method: clinical testing. Allele origin: germline.
Comment: This sequence change replaces aspartic acid, which is acidic and polar, with asparagine, which is neutral and polar, at codon 4261 of the PLEC protein (p.Asp4261Asn). This variant is present in population databases (rs782628125, gnomAD 0.01%). This variant has not been reported in the literature in individuals affected with PLEC-related conditions. ClinVar contains an entry for this variant (Variation ID: 1053723). Advanced modeling of protein sequence and biophysical properties (such as structural, functional, and spatial information, amino acid conservation, physicochemical variation, residue mobility, and thermodynamic stability) has been performed at Invitae for this missense variant, however the output from this modeling did not meet the statistical confidence thresholds required to predict the impact of this variant on PLEC protein function. In summary, the available evidence is currently insufficient to determine the role of this variant in disease. Therefore, it has been classified as a Variant of Uncertain Significance.

Ambry Genetics
Classification: Uncertain significance for Inborn genetic diseases. Last evaluated: 2022-11-17. Review status: criteria provided, single submitter. Criteria: Ambry Variant Classification Scheme 2023. Collection method: clinical testing. Allele origin: germline.

NM_201384.3(PLEC):c.12700G>A (p.Asp4234Asn)

Gene: PLEC (plectin; minus strand). Cytogenetic location: 8q24.3.
Variant type: single nucleotide variant.
Coding change: c.12700G>A on transcript NM_201384.3 (MANE Select); coding-DNA position 12700, G replaced by A.
Protein change: p.Asp4234Asn; replaces aspartic acid 4234 with asparagine.
Molecular consequence: missense variant.
Genome position (GRCh38, 1-based): chr8:143,917,121, C>T on the plus strand (G>A on the coding strand, the complement: PLEC is on the minus strand). VCF-style: chr8-143917121-C-T. GRCh37 (hg19) VCF-style: chr8-144991289-C-T.
Other names: c.12781G>A (NM_000445.3, NM_000445.4); c.12700G>A, p.Asp4234Asn (NM_201382.4); c.12712G>A, p.Asp4238Asn (NM_201383.3); c.12781G>A, p.Asp4261Asn (NM_000445.5); c.12658G>A, p.Asp4220Asn (NM_201378.4); c.12634G>A, p.Asp4212Asn (NM_201379.3); c.13111G>A, p.Asp4371Asn (NM_201380.4); c.12604G>A, p.Asp4202Asn (NM_201381.3); short protein forms D4202N, D4212N, D4220N, D4234N, D4238N, D4261N, D4371N.
Identifiers: ClinVar variation 1053723 (VCV001053723.9), dbSNP rs782628125, ClinGen allele CA4924004.
Genomic context (GRCh38, chr8:143,917,121, plus strand): 5'-AGGAGGATCCCACCGAGGAGGAACGGGAGCGGAAACCACCGGCGTTGCCCGAGAGCATGT[C>T]GGCGAACTCGGTGATGGAGAGCGTGCCGGCGCGGTACTGGTCCAGTGCCGAGCGGTCGAT-3'
Protein context (NP_958786.1, residues 4224-4244): AGTLSITEFA[Asp4234Asn]MLSGNAGGFR